The following is an entry in ClinVar:

NM_194248.3(OTOF):c.328-1G>T

Gene: OTOF (otoferlin; minus strand). Cytogenetic location: 2p23.3.
Variant type: single nucleotide variant.
Coding change: c.328-1G>T on transcript NM_194248.3 (MANE Select); the canonical splice acceptor site of the intron before coding-DNA position 328, G replaced by T.
Molecular consequence: splice acceptor variant.
Genome position (GRCh38, 1-based): chr2:26,516,600, C>A on the plus strand (G>T on the coding strand, the complement: OTOF is on the minus strand). VCF-style: chr2-26516600-C-A. GRCh37 (hg19) VCF-style: chr2-26739468-C-A.
Other names: c.328-1G>T (NM_001287489.2).
Identifiers: ClinVar variation 2761858 (VCV002761858.3), dbSNP rs2465353637, ClinGen allele CA346139596.
Genomic context (GRCh38, chr2:26,516,600, plus strand): 5'-GTCCCAGGAGCCCACTGTGCCGTCAGTGGCCTGATACCGGACCTCCACGCACAGGCTGGT[C>A]TGAAGGGAGGGAGGCGGTGGTGAGCAGCTGGGATGGTGACAGCAATCTCCACCCCGTATA-3'

ClinVar aggregate classification (germline): Likely pathogenic (1 of 4 stars; one submission).

Submission:

Labcorp Genetics (formerly Invitae), Labcorp
Classification: Likely pathogenic. Last evaluated: 2023-09-19. Review status: criteria provided, single submitter. Criteria: Invitae Variant Classification Sherloc (09022015). Collection method: clinical testing. Allele origin: germline.
Comment: This variant is not present in population databases (gnomAD no frequency). In summary, the currently available evidence indicates that the variant is pathogenic, but additional data are needed to prove that conclusively. Therefore, this variant has been classified as Likely Pathogenic. Algorithms developed to predict the effect of sequence changes on RNA splicing suggest that this variant may disrupt the consensus splice site. This variant has not been reported in the literature in individuals affected with OTOF-related conditions. This sequence change affects an acceptor splice site in intron 4 of the OTOF gene. It is expected to disrupt RNA splicing. Variants that disrupt the donor or acceptor splice site typically lead to a loss of protein function (PMID: 16199547), and loss-of-function variants in OTOF are known to be pathogenic (PMID: 18381613, 19250381, 22575033).

Literature cited by the submitters: PubMed 16199547; PubMed 18381613; PubMed 19250381; PubMed 22575033.